The following is an entry in ClinVar:

NM_000246.4(CIITA):c.1849G>A (p.Val617Met)

Gene: CIITA (class II major histocompatibility complex transactivator; plus strand). Cytogenetic location: 16p13.13.
Variant type: single nucleotide variant.
Coding change: c.1849G>A on transcript NM_000246.4 (MANE Select); coding-DNA position 1849, G replaced by A.
Protein change: p.Val617Met; replaces valine 617 with methionine.
Molecular consequence: missense variant. On other transcripts: intron variant (1).
Genome position (GRCh38, 1-based): chr16:10,907,341, G>A. VCF-style: chr16-10907341-G-A. GRCh37 (hg19) VCF-style: chr16-11001198-G-A.
Other names: c.1852G>A, p.Val618Met (NM_001286402.1, NM_001379332.1); c.1705G>A, p.Val569Met (NM_001379330.1); c.1702G>A, p.Val568Met (NM_001379331.1); c.1849G>A, p.Val617Met (NM_001379333.1); c.1780G>A, p.Val594Met (NM_001379334.1); c.860-1642G>A (NM_001286403.2); short protein forms V568M, V569M, V594M, V617M, V618M.
Identifiers: ClinVar variation 1023275 (VCV001023275.8), dbSNP rs1464337726, ClinGen allele CA394731891.

ClinVar aggregate classification (germline): Uncertain significance (1 of 4 stars; one submission).

Conditions:
MHC class II deficiency. Also called: BLS, TYPE II; Bare lymphocyte syndrome 2. Identifiers: Orphanet 572, MedGen C5447452, MONDO:0008855.

Submission:

Labcorp Genetics (formerly Invitae), Labcorp
Classification: Uncertain significance for MHC class II deficiency. Last evaluated: 2021-02-18. Review status: criteria provided, single submitter. Criteria: Invitae Variant Classification Sherloc (09022015). Collection method: clinical testing. Allele origin: germline.
Comment: In summary, the available evidence is currently insufficient to determine the role of this variant in disease. Therefore, it has been classified as a Variant of Uncertain Significance. Algorithms developed to predict the effect of missense changes on protein structure and function (SIFT, PolyPhen-2, Align-GVGD) all suggest that this variant is likely to be tolerated, but these predictions have not been confirmed by published functional studies and their clinical significance is uncertain. This variant has not been reported in the literature in individuals with CIITA-related conditions. This variant is not present in population databases (ExAC no frequency). This sequence change replaces valine with methionine at codon 617 of the CIITA protein (p.Val617Met). The valine residue is moderately conserved and there is a small physicochemical difference between valine and methionine.